The following is an entry in ClinVar:

ClinVar aggregate classification (germline): Benign/Likely benign. Review status: criteria provided, multiple submitters, no conflicts (2 of 4 stars). 10 submissions from 10 submitters: Benign (7); Likely benign (1). 2 of the submissions do not count toward it. Last evaluated 2026-02-04.

Conditions:
Primary ciliary dyskinesia. Also called: Ciliary dyskinesia. Identifiers: Orphanet 244, MedGen C0008780, MONDO:0016575, HP:0012265.
Primary ciliary dyskinesia 7. Also called: CILIARY DYSKINESIA, PRIMARY, 7, WITH OR WITHOUT SITUS INVERSUS. Identifiers: Orphanet 244, MedGen C2678473, MONDO:0012748, OMIM 611884.

Allele frequency attached by ClinVar (database versions not stated): 1000 Genomes Project 30x 0.36087; 1000 Genomes Project 0.36282; TOPMed 0.41042; gnomAD 0.42173 and 0.42379; ESP Exome Variant Server 0.43883; ExAC 0.47876.
gnomAD v4.1: 794,590 of 1,609,990 alleles (49%); highest among the groups gnomAD compares: South Asian, 53%; 201,438 homozygotes.

Submissions (10):

Labcorp Genetics (formerly Invitae), Labcorp
Classification: Benign for Primary ciliary dyskinesia. Last evaluated: 2026-02-04. Review status: criteria provided, single submitter. Criteria: Invitae Variant Classification Sherloc (09022015). Collection method: clinical testing. Allele origin: germline.

Blueprint Genetics
Classification: Likely benign. Last evaluated: 2024-11-27. Review status: criteria provided, single submitter. Criteria: ACMG Guidelines, 2015. Collection method: clinical testing. Allele origin: germline.

Mayo Clinic Laboratories, Mayo Clinic
Classification: Benign. Last evaluated: 2022-04-26. Review status: criteria provided, single submitter. Criteria: ACMG Guidelines, 2015. Collection method: clinical testing. Allele origin: germline. Observed: 148 variant alleles.

Genome-Nilou Lab
Classification: Benign for Primary ciliary dyskinesia 7. Last evaluated: 2021-07-30. Review status: criteria provided, single submitter. Criteria: ACMG Guidelines, 2015. Collection method: clinical testing. Allele origin: germline. Affected: no.

GeneDx
Classification: Benign. Last evaluated: 2018-11-10. Review status: criteria provided, single submitter. Criteria: GeneDx Variant Classification Process June 2021. Collection method: clinical testing. Allele origin: germline. Affected: yes.

Eurofins Ntd Llc (ga)
Classification: Benign. Last evaluated: 2013-04-11. Review status: criteria provided, single submitter. Criteria: EGL Classification Definitions 2015. Collection method: clinical testing. Allele origin: germline. Observed: 3 variant alleles, 3 heterozygotes.

Laboratory for Molecular Medicine, Mass General Brigham Personalized Medicine
Classification: Benign. Last evaluated: 2013-02-21. Review status: criteria provided, single submitter. Criteria: LMM Criteria. Collection method: clinical testing. Allele origin: germline. Observed: 71 variant alleles.
Comment: Phe2430Phe in exon 45 of DNAH11: This variant is not expected to have clinical s ignificance because it does not alter an amino acid residue and is not located w ithin the splice consensus sequence. It has been identified in 49.2% (4012/8162) of European American chromosomes from a broad population by the NHLBI Exome Seq uencing Project (dbSNP rs12536928).

PreventionGenetics, part of Exact Sciences
Classification: Benign. Review status: criteria provided, single submitter. Criteria: ACMG Guidelines, 2015. Collection method: clinical testing. Allele origin: germline.

Clinical Genetics DNA and cytogenetics Diagnostics Lab, Erasmus MC, Erasmus Medical Center
Classification: Benign. Review status: no assertion criteria provided. Collection method: clinical testing. Allele origin: germline. Affected: yes. Study: VKGL Data-share Consensus. Not counted in ClinVar's aggregate classification.

Diagnostic Laboratory, Department of Genetics, University Medical Center Groningen
Classification: Benign. Review status: no assertion criteria provided. Collection method: clinical testing. Allele origin: germline. Affected: yes. Study: VKGL Data-share Consensus. Not counted in ClinVar's aggregate classification.

NM_001277115.2(DNAH11):c.7290C>T (p.Phe2430=)

Gene: DNAH11 (dynein axonemal heavy chain 11; plus strand). Cytogenetic location: 7p15.3.
Variant type: single nucleotide variant.
Coding change: c.7290C>T on transcript NM_001277115.2 (MANE Select); coding-DNA position 7290, C replaced by T.
Protein change: p.Phe2430=; no amino-acid change (phenylalanine 2430 retained).
Molecular consequence: synonymous variant.
Genome position (GRCh38, 1-based): chr7:21,725,834, C>T. VCF-style: chr7-21725834-C-T. GRCh37 (hg19) VCF-style: chr7-21765452-C-T.
Other names: p.Phe2430=.
Identifiers: ClinVar variation 93694 (VCV000093694.33), dbSNP rs12536928, ClinGen allele CA147218.
Genomic context (GRCh38, chr7:21,725,834, plus strand): 5'-TTGAGTCTGCAATAAGGATTTCTTTTGTTCTCCTTAGATTTCTGATTATCAAGCTGACTT[C>T]AGTCGGTGGTGGCAGAAAGAGATGAAAGCAGTGAAATTTCCGTCGCAGGGAACAATCTTT-3'
Protein context (NP_001264044.1, residues 2420-2440): QDQISDYQAD[Phe2430=]SRWWQKEMKA